The following is an entry in ClinVar:

ClinVar aggregate classification (germline): Pathogenic (1 of 4 stars; one submission).

Conditions:
Primary ciliary dyskinesia. Also called: Ciliary dyskinesia. Identifiers: Orphanet 244, MedGen C0008780, MONDO:0016575, HP:0012265.

Submission:

Labcorp Genetics (formerly Invitae), Labcorp
Classification: Pathogenic for Primary ciliary dyskinesia. Last evaluated: 2017-10-18. Review status: criteria provided, single submitter. Criteria: Invitae Variant Classification Sherloc (09022015). Collection method: clinical testing. Allele origin: germline.
Comment: This sequence change creates a premature translational stop signal (p.Trp2774Cysfs*7) in the DNAH5 gene. It is expected to result in an absent or disrupted protein product. This variant is not present in population databases (ExAC no frequency). Loss-of-function variants in DNAH5 are known to be pathogenic (PMID: 11788826, 16627867). This variant has not been reported in the literature in individuals with DNAH5-related disease. For these reasons, this variant has been classified as Pathogenic.

Literature cited by the submitters: PubMed 11788826; PubMed 16627867.

NM_001369.3(DNAH5):c.8321_8322insC (p.Trp2774fs)

Gene: DNAH5 (dynein axonemal heavy chain 5; minus strand). Cytogenetic location: 5p15.2.
Variant type: Insertion.
Coding change: c.8321_8322insC on transcript NM_001369.3 (MANE Select); coding-DNA positions 8321 to 8322, C inserted.
Protein change: p.Trp2774fs; shifts the reading frame from tryptophan 2774.
Molecular consequence: frameshift variant.
Genome position: GRCh38 VCF-style: chr5-13792120-C-CG. GRCh37 (hg19) VCF-style: chr5-13792229-C-CG.
Other names: short protein forms W2774fs.
Identifiers: ClinVar variation 525360 (VCV000525360.8), dbSNP rs1554050517, ClinGen allele CA658796506.